The following is an entry in ClinVar:

NM_005359.6(SMAD4):c.715_717dup (p.Gln239_Ile240insGln)

Gene: SMAD4 (SMAD family member 4; plus strand). Cytogenetic location: 18q21.2.
Variant type: Duplication.
Coding change: c.715_717dup on transcript NM_005359.6 (MANE Select); coding-DNA positions 715 to 717, 3 bases duplicated (CAG; older notation c.715_717dupCAG).
Protein change: p.Gln239_Ile240insGln.
Molecular consequence: inframe insertion.
Genome position (GRCh38, 1-based): chr18:51,058,172-51,058,174, CAG duplicated; duplicating any 3 consecutive bases within chr18:51,058,171-51,058,174 gives the same sequence; the c. name uses the placement nearest the transcript's 3' end. VCF-style (leftmost placement, unchanged base first): chr18-51058170-T-TGCA. GRCh37 (hg19) VCF-style: chr18-48584540-T-TGCA.
Identifiers: ClinVar variation 1703475 (VCV001703475.2), dbSNP rs2511376779, ClinGen allele CA2580095830.

ClinVar aggregate classification (germline): Uncertain significance (1 of 4 stars; one submission).

Submission:

GeneDx
Classification: Uncertain significance. Last evaluated: 2022-02-24. Review status: criteria provided, single submitter. Criteria: GeneDx Variant Classification Process June 2021. Collection method: clinical testing. Allele origin: germline. Affected: yes.
Comment: In-frame insertion of 1 amino acid in a non-repeat region; Not observed at significant frequency in large population cohorts (gnomAD); In silico analysis supports that this variant does not alter protein structure/function; Has not been previously published as pathogenic or benign to our knowledge